The following is an entry in ClinVar:

NM_000127.3(EXT1):c.1285-1G>T

Gene: EXT1 (exostosin glycosyltransferase 1; minus strand). Cytogenetic location: 8q24.11.
Variant type: single nucleotide variant.
Coding change: c.1285-1G>T on transcript NM_000127.3 (MANE Select); the canonical splice acceptor site of the intron before coding-DNA position 1285, G replaced by T.
Molecular consequence: splice acceptor variant.
Genome position (GRCh38, 1-based): chr8:117,822,598, C>A on the plus strand (G>T on the coding strand, the complement: EXT1 is on the minus strand). VCF-style: chr8-117822598-C-A. GRCh37 (hg19) VCF-style: chr8-118834837-C-A.
Identifiers: ClinVar variation 1069912 (VCV001069912.10), dbSNP rs1811943967, ClinGen allele CA371888213.

ClinVar aggregate classification (germline): Pathogenic (1 of 4 stars; one submission).

Conditions:
Multiple congenital exostosis (EXT). Also called: Hereditary multiple exostoses; Hereditary multiple exostosis; MULTIPLE CARTILAGINOUS EXOSTOSES; Multiple exostoses; Hereditary multiple osteochondromas; Multiple osteochondromas. Identifiers: Orphanet 321, MedGen C0015306, MONDO:0005508, HP:0002762.

Submission:

Labcorp Genetics (formerly Invitae), Labcorp
Classification: Pathogenic for Multiple congenital exostosis. Last evaluated: 2025-12-27. Review status: criteria provided, single submitter. Criteria: Invitae Variant Classification Sherloc (09022015). Collection method: clinical testing. Allele origin: germline.
Comment: This sequence change affects an acceptor splice site in intron 4 of the EXT1 gene. It is expected to disrupt RNA splicing. Variants that disrupt the donor or acceptor splice site typically lead to a loss of protein function (PMID: 16199547), and loss-of-function variants in EXT1 are known to be pathogenic (PMID: 10679937, 11391482, 19810120). This variant is not present in population databases (gnomAD no frequency). Disruption of this splice site has been observed in individual(s) with hereditary multiple osteochondromatosis (internal data). ClinVar contains an entry for this variant (Variation ID: 1069912). Algorithms developed to predict the effect of sequence changes on RNA splicing suggest that this variant may disrupt the consensus splice site. For these reasons, this variant has been classified as Pathogenic.

Literature cited by the submitters: PubMed 16199547; PubMed 10679937; PubMed 11391482; PubMed 19810120.